The following is an entry in ClinVar:

ClinVar aggregate classification (germline): Uncertain significance. Review status: criteria provided, single submitter (1 of 4 stars). 2 submissions from 2 submitters: Uncertain significance (1). 1 of the submissions does not count toward it. Last evaluated 2025-04-01.

Conditions:
PCNT-related disorder. Also called: PCNT-related condition.
Inborn genetic diseases. Identifiers: MedGen C0950123, MeSH D030342.

gnomAD v4.1: 6 of 1,612,070 alleles (0.00037%); highest among the groups gnomAD compares: African/African-American, 0.0013%; no homozygotes.

Submissions (2):

Ambry Genetics
Classification: Uncertain significance for Inborn genetic diseases. Last evaluated: 2025-04-01. Review status: criteria provided, single submitter. Criteria: Ambry Variant Classification Scheme 2023. Collection method: clinical testing. Allele origin: germline.

PreventionGenetics, part of Exact Sciences
Classification: Uncertain significance for PCNT-related condition. Last evaluated: 2023-11-14. Review status: no assertion criteria provided. Collection method: clinical testing. Allele origin: germline. Not counted in ClinVar's aggregate classification.
Comment: The PCNT c.7592C>T variant is predicted to result in the amino acid substitution p.Thr2531Met. To our knowledge, this variant has not been reported in the literature. This variant is reported in 0.00090% of alleles in individuals of European (Non-Finnish) descent in gnomAD. At this time, the clinical significance of this variant is uncertain due to the absence of conclusive functional and genetic evidence.

NM_006031.6(PCNT):c.7592C>T (p.Thr2531Met)

Gene: PCNT (pericentrin; plus strand). Cytogenetic location: 21q22.3.
Variant type: single nucleotide variant.
Coding change: c.7592C>T on transcript NM_006031.6 (MANE Select); coding-DNA position 7592, C replaced by T.
Protein change: p.Thr2531Met; replaces threonine 2531 with methionine.
Molecular consequence: missense variant.
Genome position (GRCh38, 1-based): chr21:46,428,492, C>T. VCF-style: chr21-46428492-C-T. GRCh37 (hg19) VCF-style: chr21-47848406-C-T.
Other names: c.7238C>T, p.Thr2413Met (NM_001315529.2); short protein forms T2413M, T2531M.
Identifiers: ClinVar variation 3354560 (VCV003354560.2).